The following is an entry in ClinVar:

ClinVar aggregate classification (germline): Uncertain significance. Review status: criteria provided, multiple submitters, no conflicts (2 of 4 stars). 2 submissions from 2 submitters: Uncertain significance (2). Last evaluated 2023-07-19.

Conditions:
Maple syrup urine disease, mild variant (MSUDMV). Identifiers: Orphanet 511, MedGen C3554575, MONDO:0014057, OMIM 615135.

Allele frequency attached by ClinVar (database versions not stated): gnomAD 0.00003; TOPMed 0.00003.

Submissions (2):

Ambry Genetics
Classification: Uncertain significance. Last evaluated: 2023-07-19. Review status: criteria provided, single submitter. Criteria: Ambry Variant Classification Scheme 2023. Collection method: clinical testing. Allele origin: germline.

Labcorp Genetics (formerly Invitae), Labcorp
Classification: Uncertain significance for Maple syrup urine disease, mild variant. Last evaluated: 2023-03-09. Review status: criteria provided, single submitter. Criteria: Invitae Variant Classification Sherloc (09022015). Collection method: clinical testing. Allele origin: germline.
Comment: In summary, the available evidence is currently insufficient to determine the role of this variant in disease. Therefore, it has been classified as a Variant of Uncertain Significance. An algorithm developed to predict the effect of missense changes on protein structure and function (PolyPhen-2) suggests that this variant is likely to be disruptive. This variant has not been reported in the literature in individuals affected with PPM1K-related conditions. This variant is present in population databases (rs371058119, gnomAD 0.01%). This sequence change replaces arginine, which is basic and polar, with tryptophan, which is neutral and slightly polar, at codon 110 of the PPM1K protein (p.Arg110Trp).

NM_152542.5(PPM1K):c.328C>T (p.Arg110Trp)

Gene: PPM1K (protein phosphatase, Mg2+/Mn2+ dependent 1K; minus strand). Cytogenetic location: 4q22.1.
Variant type: single nucleotide variant.
Coding change: c.328C>T on transcript NM_152542.5 (MANE Select); coding-DNA position 328, C replaced by T.
Protein change: p.Arg110Trp; replaces arginine 110 with tryptophan.
Molecular consequence: missense variant.
Genome position (GRCh38, 1-based): chr4:88,278,256, G>A on the plus strand (C>T on the coding strand, the complement: PPM1K is on the minus strand). VCF-style: chr4-88278256-G-A. GRCh37 (hg19) VCF-style: chr4-89199408-G-A.
Other names: short protein forms R110W.
Identifiers: ClinVar variation 2602568 (VCV002602568.5), dbSNP rs371058119, ClinGen allele CA3005321.